The following is an entry in ClinVar:

ClinVar aggregate classification (germline): Uncertain significance (1 of 4 stars; one submission).

Conditions:
Inborn genetic diseases. Identifiers: MedGen C0950123, MeSH D030342.

Submission:

Ambry Genetics
Classification: Uncertain significance for Inborn genetic diseases. Last evaluated: 2025-06-14. Review status: criteria provided, single submitter. Criteria: Ambry Variant Classification Scheme 2023. Collection method: clinical testing. Allele origin: germline.
Comment: The p.P255T variant (also known as c.763C>A), located in coding exon 5 of the ELANE gene, results from a C to A substitution at nucleotide position 763. The proline at codon 255 is replaced by threonine, an amino acid with highly similar properties. This amino acid position is conserved. In addition, this alteration is predicted to be tolerated by in silico analysis. Based on the available evidence, the clinical significance of this variant remains unclear.

NM_001972.4(ELANE):c.763C>A (p.Pro255Thr)

Gene: ELANE (elastase, neutrophil expressed; plus strand). Cytogenetic location: 19p13.3.
Variant type: single nucleotide variant.
Coding change: c.763C>A on transcript NM_001972.4 (MANE Select); coding-DNA position 763, C replaced by A.
Protein change: p.Pro255Thr; replaces proline 255 with threonine.
Molecular consequence: missense variant.
Genome position (GRCh38, 1-based): chr19:856,123, C>A. VCF-style: chr19-856123-C-A. GRCh37 (hg19) VCF-style: chr19-856123-C-A.
Other names: short protein forms P255T.
Identifiers: ClinVar variation 4017417 (VCV004017417.1).